The following is an entry in ClinVar:

ClinVar aggregate classification (germline): Uncertain significance (1 of 4 stars; one submission).

Conditions:
Autosomal recessive severe congenital neutropenia due to CSF3R deficiency. Also called: Neutropenia, severe congenital, 7, autosomal recessive. Identifiers: Orphanet 420702, MedGen C4310764, MONDO:0014865, OMIM 617014.

Submission:

Labcorp Genetics (formerly Invitae), Labcorp
Classification: Uncertain significance for Autosomal recessive severe congenital neutropenia due to CSF3R deficiency. Last evaluated: 2023-11-07. Review status: criteria provided, single submitter. Criteria: Invitae Variant Classification Sherloc (09022015). Collection method: clinical testing. Allele origin: germline.
Comment: This sequence change replaces glutamic acid, which is acidic and polar, with glycine, which is neutral and non-polar, at codon 206 of the CSF3R protein (p.Glu206Gly). This variant is not present in population databases (gnomAD no frequency). This variant has not been reported in the literature in individuals affected with CSF3R-related conditions. Advanced modeling of protein sequence and biophysical properties (such as structural, functional, and spatial information, amino acid conservation, physicochemical variation, residue mobility, and thermodynamic stability) performed at Invitae indicates that this missense variant is expected to disrupt CSF3R protein function with a positive predictive value of 80%. In summary, the available evidence is currently insufficient to determine the role of this variant in disease. Therefore, it has been classified as a Variant of Uncertain Significance.

NM_000760.4(CSF3R):c.617A>G (p.Glu206Gly)

Gene: CSF3R (colony stimulating factor 3 receptor; minus strand). Cytogenetic location: 1p34.3.
Variant type: single nucleotide variant.
Coding change: c.617A>G on transcript NM_000760.4 (MANE Select); coding-DNA position 617, A replaced by G.
Protein change: p.Glu206Gly; replaces glutamic acid 206 with glycine.
Molecular consequence: missense variant.
Genome position (GRCh38, 1-based): chr1:36,473,491, T>C on the plus strand (A>G on the coding strand, the complement: CSF3R is on the minus strand). VCF-style: chr1-36473491-T-C. GRCh37 (hg19) VCF-style: chr1-36939092-T-C.
Other names: c.617A>G, p.Glu206Gly (NM_156039.3, NM_172313.3); short protein forms E206G.
Identifiers: ClinVar variation 2694152 (VCV002694152.3), dbSNP rs2521805458, ClinGen allele CA339423632.